The following is an entry in ClinVar:

ClinVar aggregate classification (germline): Pathogenic (1 of 4 stars; one submission).

Conditions:
Kleefstra syndrome 2 (KLEFS2). Identifiers: MedGen C4540395, MONDO:0054701, OMIM 617768.

Submission:

Women's Health and Genetics/Laboratory Corporation of America, LabCorp
Classification: Pathogenic for Kleefstra syndrome 2. Last evaluated: 2025-09-17. Review status: criteria provided, single submitter. Criteria: LabCorp Variant Classification Summary - May 2015. Collection method: clinical testing. Allele origin: germline.
Comment: Variant summary: KMT2C c.2263C>T (p.Gln755X) results in a premature termination codon, predicted to cause a truncation of the encoded protein or absence of the protein due to nonsense mediated decay, which are commonly known mechanisms for disease. The variant was absent in 1614144 control chromosomes. To our knowledge, no occurrence of c.2263C>T in individuals affected with KMT2C-related conditions and no experimental evidence demonstrating its impact on protein function have been reported. No submitters have cited clinical-significance assessments for this variant to ClinVar. Based on the evidence outlined above, the variant was classified as pathogenic.

NM_170606.3(KMT2C):c.2263C>T (p.Gln755Ter)

Gene: KMT2C (lysine methyltransferase 2C; minus strand). Cytogenetic location: 7q36.1.
Variant type: single nucleotide variant.
Coding change: c.2263C>T on transcript NM_170606.3 (MANE Select); coding-DNA position 2263, C replaced by T.
Protein change: p.Gln755Ter; replaces glutamine 755 with a stop codon.
Molecular consequence: nonsense.
Genome position (GRCh38, 1-based): chr7:152,248,171, G>A on the plus strand (C>T on the coding strand, the complement: KMT2C is on the minus strand). VCF-style: chr7-152248171-G-A. GRCh37 (hg19) VCF-style: chr7-151945256-G-A.
Other names: short protein forms Q755*.
Identifiers: ClinVar variation 4536150 (VCV004536150.1).
Genomic context (GRCh38, chr7:152,248,171, plus strand): 5'-CTGCTGATGATGAAAATGATGACTCTGTCTCAGATGATAACTTTATAGATTTGCCTCCTT[G>A]GTATGAAACATCTTTCACACAACCCTCAATTGTAGGAGTCATTTCAGAGTCCATCAATCC-3'